The following is an entry in ClinVar:

NM_001384732.1(CPLANE1):c.3545del (p.Asn1182fs)

Gene: CPLANE1 (ciliogenesis and planar polarity effector complex subunit 1; minus strand). Cytogenetic location: 5p13.2.
Variant type: Deletion.
Coding change: c.3545del on transcript NM_001384732.1 (MANE Select); coding-DNA position 3545, one base deleted (A; older notation c.3545delA).
Protein change: p.Asn1182fs; shifts the reading frame from asparagine 1182.
Molecular consequence: frameshift variant.
Genome position (GRCh38, 1-based): chr5:37,198,829, T deleted on the plus strand (A on the coding strand, the reverse complement: CPLANE1 is on the minus strand); the first of 7 consecutive T bases (chr5:37,198,829-37,198,835); deleting any one gives the same sequence. VCF-style (leftmost placement, unchanged base first): chr5-37198828-AT-A. GRCh37 (hg19) VCF-style: chr5-37198930-AT-A.
Other names: c.3545del, p.Asn1182fs (NM_023073.4); c.3545del (NM_023073.3); short protein forms N1182fs.
Identifiers: ClinVar variation 871484 (VCV000871484.47), dbSNP rs769153428, ClinGen allele CA3238916.

ClinVar aggregate classification (germline): Pathogenic. Review status: criteria provided, multiple submitters, no conflicts (2 of 4 stars). 3 submissions from 3 submitters: Pathogenic (3). Last evaluated 2025-07-24.

Conditions:
Joubert syndrome 17 (JBTS17). Identifiers: Orphanet 475, MedGen C3553264, MONDO:0013824, OMIM 614615.
Orofaciodigital syndrome type 6 (OFD6). Also called: OROFACIODIGITAL SYNDROME VI; OFDS VI; POLYDACTYLY, CLEFT LIP/PALATE OR LINGUAL LUMP, AND PSYCHOMOTOR RETARDATION; VARADI SYNDROME; VARADI-PAPP SYNDROME; Oral-facial-digital syndrome type 6. Identifiers: Orphanet 2754, MedGen C2745997, MONDO:0010176, OMIM 277170.

Submissions (3):

Labcorp Genetics (formerly Invitae), Labcorp
Classification: Pathogenic. Last evaluated: 2025-07-24. Review status: criteria provided, single submitter. Criteria: Invitae Variant Classification Sherloc (09022015). Collection method: clinical testing. Allele origin: germline.
Comment: This sequence change creates a premature translational stop signal (p.Asn1182Ilefs*26) in the CPLANE1 gene. It is expected to result in an absent or disrupted protein product. Loss-of-function variants in CPLANE1 are known to be pathogenic (PMID: 24178751, 26092869). This variant is present in population databases (rs769153428, gnomAD 0.006%). This premature translational stop signal has been observed in individual(s) with Joubert syndrome (PMID: 25407461). This variant is also known as N1182Ifs*25. ClinVar contains an entry for this variant (Variation ID: 871484). For these reasons, this variant has been classified as Pathogenic.

CeGaT Center for Human Genetics Tuebingen
Classification: Pathogenic. Last evaluated: 2025-04-01. Review status: criteria provided, single submitter. Criteria: CeGaT Center For Human Genetics Tuebingen Variant Classification Criteria Version 2. Collection method: clinical testing. Allele origin: germline. Affected: yes. Observed: 4 variant alleles.
Comment: CPLANE1: PVS1, PM2

Fulgent Genetics
Classification: Pathogenic for Orofaciodigital syndrome type 6; Joubert syndrome 17. Last evaluated: 2023-12-29. Review status: criteria provided, single submitter. Criteria: ACMG Guidelines, 2015. Collection method: clinical testing. Allele origin: germline.

Literature cited by the submitters: PubMed 24178751 (cited by Labcorp Genetics (formerly Invitae), Labcorp); PubMed 26092869 (cited by Labcorp Genetics (formerly Invitae), Labcorp); PubMed 25407461 (cited by Labcorp Genetics (formerly Invitae), Labcorp).